The following is an entry in ClinVar:

ClinVar aggregate classification (germline): Pathogenic (1 of 4 stars; one submission).

Conditions:
Proximal 16p11.2 microdeletion syndrome. Also called: CHROMOSOME 16p11.2 DELETION SYNDROME, 593-KB; Chromosome 16p11.2 deletion syndrome; 16p11.2 Recurrent Deletion. Identifiers: Orphanet 261197, MedGen C3150154, MONDO:0012756, OMIM 611913.

Submission:

Department of Prenatal Diagnosis, Henan Provincial People’s Hospital
Classification: Pathogenic for Proximal 16p11.2 microdeletion syndrome. Last evaluated: 2026-11-25. Review status: criteria provided, single submitter. Criteria: ACMG/ClinGen CNV Guidelines, 2019. Collection method: research. Allele origin: de novo. Affected: yes. Observed: 1 variant allele.
Comment: Based on the "ACMG/ClinGen CNV Guidelines" (2019, PMID: 31690835), this deletion encompasses the established haploinsufficiency genomic region-16p11.2 recurrent region (proximal, BP4-BP5) (includes TBX6)，which satisfies the criteria for Evidence Type 2A and is assigned a score of 1. As a result, the observed copy number deletion in this case achieves a cumulative score of ≥0.99, classifying it as a pathogenic copy number variant.

Single allele

Genes: ALDOA (aldolase, fructose-bisphosphate A; plus strand), ASPHD1 (aspartate beta-hydroxylase domain containing 1; plus strand), C16orf54 (chromosome 16 open reading frame 54; minus strand), CDIPT (CDP-diacylglycerol--inositol 3-phosphatidyltransferase; minus strand), CORO1A (coronin 1A; plus strand) and 22 more. Cytogenetic location: 16p11.2.
Variant type: Deletion.
Identifiers: ClinVar variation 5043573 (VCV005043573.1).